The following is an entry in ClinVar:

ClinVar aggregate classification (germline): Likely benign (1 of 4 stars; one submission).

Submission:

CeGaT Center for Human Genetics Tuebingen
Classification: Likely benign. Last evaluated: 2025-06-01. Review status: criteria provided, single submitter. Criteria: CeGaT Center For Human Genetics Tuebingen Variant Classification Criteria Version 2. Collection method: clinical testing. Allele origin: germline. Affected: yes. Observed: 1 variant allele.
Comment: CAPN15: BP4, BP7

NM_005632.3(CAPN15):c.570G>A (p.Pro190=)

Gene: CAPN15 (calpain 15; plus strand). Cytogenetic location: 16p13.3.
Variant type: single nucleotide variant.
Coding change: c.570G>A on transcript NM_005632.3 (MANE Select); coding-DNA position 570, G replaced by A.
Protein change: p.Pro190=; no amino-acid change (proline 190 retained).
Molecular consequence: synonymous variant.
Genome position (GRCh38, 1-based): chr16:547,408, G>A. VCF-style: chr16-547408-G-A. GRCh37 (hg19) VCF-style: chr16-597408-G-A.
Identifiers: ClinVar variation 3905514 (VCV003905514.10).